The following is an entry in ClinVar:

NM_018685.5(ANLN):c.964A>G (p.Ile322Val)

Gene: ANLN (anillin, actin binding protein; plus strand). Cytogenetic location: 7p14.2.
Variant type: single nucleotide variant.
Coding change: c.964A>G on transcript NM_018685.5 (MANE Select); coding-DNA position 964, A replaced by G.
Protein change: p.Ile322Val; replaces isoleucine 322 with valine.
Molecular consequence: missense variant.
Genome position (GRCh38, 1-based): chr7:36,407,824, A>G. VCF-style: chr7-36407824-A-G. GRCh37 (hg19) VCF-style: chr7-36447433-A-G.
Other names: c.964A>G (NM_018685.2); c.964A>G, p.Ile322Val (NM_001284301.3, NM_001284302.3); short protein forms I322V.
Identifiers: ClinVar variation 1393613 (VCV001393613.9), dbSNP rs143410470, ClinGen allele CA4219469.

ClinVar aggregate classification (germline): Conflicting classifications of pathogenicity. Review status: criteria provided, conflicting classifications (1 of 4 stars). 2 submissions from 2 submitters: Uncertain significance (1); Likely benign (1). Last evaluated 2025-08-29.

Allele frequency attached by ClinVar (database versions not stated): gnomAD 0.00003; TOPMed 0.00003; gnomAD exomes 0.00004 and 0.00006; ExAC 0.00007; ESP Exome Variant Server 0.00008.
gnomAD v4.1: 59 of 1,613,776 alleles (0.0037%); highest among the groups gnomAD compares: Middle Eastern, 0.016%; no homozygotes.

Submissions (2):

Ambry Genetics
Classification: Likely benign. Last evaluated: 2025-08-29. Review status: criteria provided, single submitter. Criteria: Ambry Variant Classification Scheme 2023. Collection method: clinical testing. Allele origin: germline.

Labcorp Genetics (formerly Invitae), Labcorp
Classification: Uncertain significance. Last evaluated: 2023-04-01. Review status: criteria provided, single submitter. Criteria: Invitae Variant Classification Sherloc (09022015). Collection method: clinical testing. Allele origin: germline.
Comment: Advanced modeling of protein sequence and biophysical properties (such as structural, functional, and spatial information, amino acid conservation, physicochemical variation, residue mobility, and thermodynamic stability) performed at Invitae indicates that this missense variant is not expected to disrupt ANLN protein function. In summary, the available evidence is currently insufficient to determine the role of this variant in disease. Therefore, it has been classified as a Variant of Uncertain Significance. ClinVar contains an entry for this variant (Variation ID: 1393613). This variant has not been reported in the literature in individuals affected with ANLN-related conditions. This variant is present in population databases (rs143410470, gnomAD 0.01%). This sequence change replaces isoleucine, which is neutral and non-polar, with valine, which is neutral and non-polar, at codon 322 of the ANLN protein (p.Ile322Val).